The following is an entry in ClinVar:

ClinVar aggregate classification (germline): Benign (1 of 4 stars; one submission).

Conditions:
Oroticaciduria. Also called: Orotic aciduria. Identifiers: Orphanet 30, MedGen C0268128, HP:0003218.

Allele frequency attached by ClinVar (database versions not stated): gnomAD exomes 0.92810; ExAC 0.93886; gnomAD 0.93851; 1000 Genomes Project 0.96246; 1000 Genomes Project 30x 0.96299; TOPMed 0.94486.
gnomAD v4.1: 422,429 of 453,574 alleles (93%); highest among the groups gnomAD compares: East Asian, 100%; 196,924 homozygotes.

Submission:

Illumina Laboratory Services, Illumina
Classification: Benign for Hereditary orotic aciduria. Last evaluated: 2018-01-12. Review status: criteria provided, single submitter. Criteria: ICSL Variant Classification Criteria 13 December 2019. Collection method: clinical testing. Allele origin: germline.
Comment: This variant was observed in the ICSL laboratory as part of a predisposition screen in an ostensibly healthy population. It had not been previously curated by ICSL or reported in the Human Gene Mutation Database (HGMD: prior to June 1st, 2018), and was therefore a candidate for classification through an automated scoring system. Utilizing variant allele frequency, disease prevalence and penetrance estimates, and inheritance mode, an automated score was calculated to assess if this variant is too frequent to cause the disease. Based on the score and internal cut-off values, a variant classified as benign is not then subjected to further curation. The score for this variant resulted in a classification of benign for this disease.

NM_000373.4(UMPS):c.*4138T>G

Gene: UMPS (uridine monophosphate synthetase; plus strand). Cytogenetic location: 3q21.2.
Variant type: single nucleotide variant.
Coding change: c.*4138T>G on transcript NM_000373.4 (MANE Select); 4138 bases downstream of the stop codon, T replaced by G.
Molecular consequence: 3 prime UTR variant. On other transcripts: non-coding transcript variant (2).
Genome position (GRCh38, 1-based): chr3:124,748,222, T>G. VCF-style: chr3-124748222-T-G. GRCh37 (hg19) VCF-style: chr3-124467069-T-G.
Identifiers: ClinVar variation 343021 (VCV000343021.5), dbSNP rs593292, ClinGen allele CA2582148.
Genomic context (GRCh38, chr3:124,748,222, plus strand): 5'-TCAAGTGATCCTCCTGCCTTGGCTTCCCAAAGTGCTAGGATTACAGGTGTGAGCCACTGC[T>G]CCCGGCCTGTTGGAGTTCTTTACATTTATTTTATAATCAATGCTGTTTTATTAAATGCGG-3'